The following is an entry in ClinVar:

NM_000709.4(BCKDHA):c.1167+1del

Gene: BCKDHA (branched chain keto acid dehydrogenase E1 subunit alpha; plus strand). Cytogenetic location: 19q13.2.
Variant type: Deletion.
Coding change: c.1167+1del on transcript NM_000709.4 (MANE Select); the canonical splice donor site of the intron after coding-DNA position 1167, one base deleted (G; older notation c.1167+1delG).
Molecular consequence: splice donor variant.
Genome position (GRCh38, 1-based): chr19:41,423,170, G deleted; the last of 2 consecutive G bases (chr19:41,423,169-41,423,170); deleting either gives the same sequence. VCF-style (leftmost placement, unchanged base first): chr19-41423168-AG-A. GRCh37 (hg19) VCF-style: chr19-41929073-AG-A.
Other names: c.1164+1del (NM_001164783.2); c.1167+1delG (NM_000709.3).
Identifiers: ClinVar variation 556511 (VCV000556511.6), dbSNP rs1555767169, ClinGen allele CA658824992.

ClinVar aggregate classification (germline): Pathogenic/Likely pathogenic. Review status: criteria provided, multiple submitters, no conflicts (2 of 4 stars). 3 submissions from 3 submitters: Pathogenic (1); Likely pathogenic (1). 1 of the submissions does not count toward it. Last evaluated 2025-06-18.

Conditions:
Maple syrup urine disease (MSUD). Identifiers: Orphanet 511, MedGen C0024776, MeSH D008375, MONDO:0009563. Disease mechanism: loss of function.
Maple syrup urine disease type 1A (MSUD1A). Also called: MSUD type 1A. Identifiers: MedGen C1855369, MONDO:0023691, OMIM 248600.

Submissions (3):

Myriad Genetics, Inc.
Classification: Likely pathogenic for Maple syrup urine disease type 1A. Last evaluated: 2025-06-18. Review status: criteria provided, single submitter. Criteria: Myriad Autosomal Dominant, Autosomal Recessive and X-Linked Classification Criteria (2023). Collection method: clinical testing. Allele origin: unknown.
Comment: NM_000709.3(BCKDHA):c.1167+1delG is a variant in a canonical splice site classified as likely pathogenic in the context of maple syrup urine disease type Ia. c.1167+1delG has not been observed in cases with relevant disease. Relevant functional assessments of this variant are not available in the literature. c.1167+1delG has not been observed in referenced population frequency databases. In summary, NM_000709.3(BCKDHA):c.1167+1delG is a variant in a canonical splice site in a gene where loss of function is a known mechanism of disease and is predicted to disrupt protein function. Please note: this variant was assessed in the context of healthy population screening.

Labcorp Genetics (formerly Invitae), Labcorp
Classification: Pathogenic for Maple syrup urine disease. Last evaluated: 2023-04-27. Review status: criteria provided, single submitter. Criteria: Invitae Variant Classification Sherloc (09022015). Collection method: clinical testing. Allele origin: germline.
Comment: ClinVar contains an entry for this variant (Variation ID: 556511). Algorithms developed to predict the effect of sequence changes on RNA splicing suggest that this variant may disrupt the consensus splice site. This variant disrupts a region of the BCKDHA protein in which other variant(s) (p.Leu427_Ala428delinsPro) have been determined to be pathogenic (PMID: 21844576, 31980395; Invitae). This suggests that this is a clinically significant region of the protein, and that variants that disrupt it are likely to be disease-causing. For these reasons, this variant has been classified as Pathogenic. This variant has not been reported in the literature in individuals affected with BCKDHA-related conditions. This sequence change creates a premature translational stop signal (Splice site) in the BCKDHA gene. While this is not anticipated to result in nonsense mediated decay, it is expected to disrupt the last 56 amino acid(s) of the BCKDHA protein. This variant is not present in population databases (gnomAD no frequency).

Counsyl
Classification: Likely pathogenic for Maple syrup urine disease type 1A. Last evaluated: 2018-02-02. Review status: no assertion criteria provided. Collection method: clinical testing. Allele origin: unknown. Not counted in ClinVar's aggregate classification.

Literature cited by the submitters: PubMed 21844576 (cited by Labcorp Genetics (formerly Invitae), Labcorp); PubMed 31980395 (cited by Labcorp Genetics (formerly Invitae), Labcorp).